The following is an entry in ClinVar:

ClinVar aggregate classification (germline): Uncertain significance (1 of 4 stars; one submission).

Submission:

CeGaT Center for Human Genetics Tuebingen
Classification: Uncertain significance. Last evaluated: 2026-04-01. Review status: criteria provided, single submitter. Criteria: CeGaT Center For Human Genetics Tuebingen Variant Classification Criteria Version 2. Collection method: clinical testing. Allele origin: germline. Affected: yes. Observed: 1 variant allele.
Comment: HNRNPUL2: PM2, PVS1:Moderate

NM_001079559.3(HNRNPUL2):c.178_184delinsCGGCGG (p.Glu60fs)

Genes: HNRNPUL2 (heterogeneous nuclear ribonucleoprotein U like 2; minus strand), HNRNPUL2-BSCL2 (HNRNPUL2-BSCL2 readthrough (NMD candidate); minus strand), LOC130005850 (ATAC-STARR-seq lymphoblastoid silent region 3427; plus strand). Cytogenetic location: 11q12.3.
Variant type: Indel.
Coding change: c.178_184delinsCGGCGG on transcript NM_001079559.3 (MANE Select); coding-DNA positions 178 to 184, GAGCCTC replaced by CGGCGG.
Protein change: p.Glu60fs; shifts the reading frame from glutamic acid 60.
Molecular consequence: frameshift variant. On other transcripts: non-coding transcript variant (1).
Genome position (GRCh38, 1-based): chr11:62,726,973-62,726,979, GAGGCTC replaced by CCGCCG on the plus strand (GAGCCTC replaced by CGGCGG on the coding strand, the reverse complement: HNRNPUL2 is on the minus strand). VCF-style: chr11-62726973-GAGGCTC-CCGCCG. GRCh37 (hg19) VCF-style: chr11-62494445-GAGGCTC-CCGCCG.
Other names: short protein forms E60fs.
Identifiers: ClinVar variation 4875457 (VCV004875457.2).